The following is an entry in ClinVar:

NM_002834.5(PTPN11):c.185A>C (p.Tyr62Ser)

Gene: PTPN11 (protein tyrosine phosphatase non-receptor type 11; plus strand). Cytogenetic location: 12q24.13.
Variant type: single nucleotide variant.
Coding change: c.185A>C on transcript NM_002834.5 (MANE Select); coding-DNA position 185, A replaced by C.
Protein change: p.Tyr62Ser; replaces tyrosine 62 with serine.
Molecular consequence: missense variant.
Genome position (GRCh38, 1-based): chr12:112,450,365, A>C. VCF-style: chr12-112450365-A-C. GRCh37 (hg19) VCF-style: chr12-112888169-A-C.
Other names: c.185A>C, p.Tyr62Ser (NM_001330437.2, NM_080601.3); c.182A>C, p.Tyr61Ser (NM_001374625.1); short protein forms Y61S, Y62S.
Identifiers: ClinVar variation 2756656 (VCV002756656.3), dbSNP rs1013419211, ClinGen allele CA386777608.

ClinVar aggregate classification (germline): Likely pathogenic (1 of 4 stars; one submission).

Conditions:
RASopathy. Also called: Noonan spectrum disorder; rasopathies. Identifiers: Orphanet 536391, MedGen C5555857, MONDO:0021060.

gnomAD v4.1: 1 of 1,613,264 alleles (0.000062%); highest among the groups gnomAD compares: Non-Finnish European, 0.000085%; no homozygotes.

Submission:

Labcorp Genetics (formerly Invitae), Labcorp
Classification: Likely pathogenic for RASopathy. Last evaluated: 2023-08-30. Review status: criteria provided, single submitter. Criteria: Invitae Variant Classification Sherloc (09022015). Collection method: clinical testing. Allele origin: germline.
Comment: This variant disrupts the p.Tyr62 amino acid residue in PTPN11. Other variant(s) that disrupt this residue have been determined to be pathogenic (PMID: 11992261, 12325025, 15240615, 16358218, 17020470, 19020799, 19352411, 26817465). This suggests that this residue is clinically significant, and that variants that disrupt this residue are likely to be disease-causing. In summary, the currently available evidence indicates that the variant is pathogenic, but additional data are needed to prove that conclusively. Therefore, this variant has been classified as Likely Pathogenic. Advanced modeling of protein sequence and biophysical properties (such as structural, functional, and spatial information, amino acid conservation, physicochemical variation, residue mobility, and thermodynamic stability) performed at Invitae indicates that this missense variant is expected to disrupt PTPN11 protein function. This missense change has been observed in individual(s) with clinical features of Noonan syndrome (Invitae). This variant is not present in population databases (gnomAD no frequency). This sequence change replaces tyrosine, which is neutral and polar, with serine, which is neutral and polar, at codon 62 of the PTPN11 protein (p.Tyr62Ser).

Literature cited by the submitters: PubMed 11992261; PubMed 12325025; PubMed 15240615; PubMed 16358218; PubMed 17020470; PubMed 19020799; PubMed 19352411; PubMed 26817465.